The following is an entry in ClinVar:

ClinVar aggregate classification (germline): Pathogenic/Likely pathogenic. Review status: criteria provided, multiple submitters, no conflicts (2 of 4 stars). 2 submissions from 2 submitters: Pathogenic (1); Likely pathogenic (1). Last evaluated 2025-09-28.

Conditions:
Primary ciliary dyskinesia. Also called: Ciliary dyskinesia. Identifiers: Orphanet 244, MedGen C0008780, MONDO:0016575, HP:0012265.

Allele frequency attached by ClinVar (database versions not stated): gnomAD exomes below 0.00001; ExAC 0.00001.
gnomAD v4.1: 2 of 1,614,174 alleles (0.00012%); highest among the groups gnomAD compares: South Asian, 0.0011%; no homozygotes.

Submissions (2):

Natera, Inc.
Classification: Likely pathogenic for Primary ciliary dyskinesia. Last evaluated: 2025-09-28. Review status: criteria provided, single submitter. Criteria: Natera Variant Classification Schema (03/2026). Collection method: clinical testing. Allele origin: germline.
Comment: The c.10399C>T variant in DNAH5 is a nonsense variant predicted to introduce a stop codon at amino acid 3467. This variant is expected to result in nonsense mediated decay, truncation, or a dysfunctional protein product. This variant is rare in the general population with a frequency below the threshold expected for the associated phenotype(s). Given the available evidence, this variant is classified as Likely Pathogenic.

Labcorp Genetics (formerly Invitae), Labcorp
Classification: Pathogenic for Primary ciliary dyskinesia. Last evaluated: 2024-02-18. Review status: criteria provided, single submitter. Criteria: Invitae Variant Classification Sherloc (09022015). Collection method: clinical testing. Allele origin: germline.
Comment: This sequence change creates a premature translational stop signal (p.Gln3467*) in the DNAH5 gene. It is expected to result in an absent or disrupted protein product. Loss-of-function variants in DNAH5 are known to be pathogenic (PMID: 11788826, 16627867). This variant is present in population databases (rs772481807, gnomAD 0.003%). This variant has not been reported in the literature in individuals affected with DNAH5-related conditions. For these reasons, this variant has been classified as Pathogenic.

Literature cited by the submitters: PubMed 11788826 (cited by Labcorp Genetics (formerly Invitae), Labcorp); PubMed 16627867 (cited by Labcorp Genetics (formerly Invitae), Labcorp).

NM_001369.3(DNAH5):c.10399C>T (p.Gln3467Ter)

Gene: DNAH5 (dynein axonemal heavy chain 5; minus strand). Cytogenetic location: 5p15.2.
Variant type: single nucleotide variant.
Coding change: c.10399C>T on transcript NM_001369.3 (MANE Select); coding-DNA position 10399, C replaced by T.
Protein change: p.Gln3467Ter; replaces glutamine 3467 with a stop codon.
Molecular consequence: nonsense.
Genome position (GRCh38, 1-based): chr5:13,758,866, G>A on the plus strand (C>T on the coding strand, the complement: DNAH5 is on the minus strand). VCF-style: chr5-13758866-G-A. GRCh37 (hg19) VCF-style: chr5-13758975-G-A.
Other names: c.10399C>T (NM_001369.2); short protein forms Q3467*.
Identifiers: ClinVar variation 2719308 (VCV002719308.4), dbSNP rs772481807, ClinGen allele CA3202253.